The following is an entry in ClinVar:

ClinVar aggregate classification (germline): Pathogenic (1 of 4 stars; one submission).

Conditions:
Primary ciliary dyskinesia. Also called: Ciliary dyskinesia. Identifiers: Orphanet 244, MedGen C0008780, MONDO:0016575, HP:0012265.

Submission:

Labcorp Genetics (formerly Invitae), Labcorp
Classification: Pathogenic for Primary ciliary dyskinesia. Last evaluated: 2021-01-29. Review status: criteria provided, single submitter. Criteria: Invitae Variant Classification Sherloc (09022015). Collection method: clinical testing. Allele origin: germline.
Comment: For these reasons, this variant has been classified as Pathogenic. This variant has not been reported in the literature in individuals with DNAH5-related conditions. This sequence change creates a premature translational stop signal (p.Glu1782Argfs*22) in the DNAH5 gene. It is expected to result in an absent or disrupted protein product. Loss-of-function variants in DNAH5 are known to be pathogenic (PMID: 11788826, 16627867). This variant is not present in population databases (ExAC no frequency).

Literature cited by the submitters: PubMed 11788826; PubMed 16627867.

NM_001369.3(DNAH5):c.5344del (p.Glu1782fs)

Gene: DNAH5 (dynein axonemal heavy chain 5; minus strand). Cytogenetic location: 5p15.2.
Variant type: Deletion.
Coding change: c.5344del on transcript NM_001369.3 (MANE Select); coding-DNA position 5344, one base deleted (G; older notation c.5344delG).
Protein change: p.Glu1782fs; shifts the reading frame from glutamic acid 1782.
Molecular consequence: frameshift variant.
Genome position (GRCh38, 1-based): chr5:13,841,832, C deleted on the plus strand (G on the coding strand, the reverse complement: DNAH5 is on the minus strand). VCF-style (leftmost placement, unchanged base first): chr5-13841831-TC-T. GRCh37 (hg19) VCF-style: chr5-13841940-TC-T.
Other names: short protein forms E1782fs.
Identifiers: ClinVar variation 1401112 (VCV001401112.6), dbSNP rs2151861909, ClinGen allele CA2573138484.